The following is an entry in ClinVar:

ClinVar aggregate classification (germline): Pathogenic/Likely pathogenic. Review status: criteria provided, multiple submitters, no conflicts (2 of 4 stars). 2 submissions from 2 submitters: Pathogenic (1); Likely pathogenic (1). Last evaluated 2023-08-07.

Conditions:
Leber congenital amaurosis 7 (LCA7). Identifiers: Orphanet 65, MedGen C3151192, MONDO:0013449, OMIM 613829.
Cone-rod dystrophy 2 (CORD2). Also called: CONE-ROD RETINAL DYSTROPHY; Cone-rod retinal dystrophy 2. Identifiers: Orphanet 1872, MedGen C3489532, MONDO:0007362, OMIM 120970.
CRX-related disorders.

Submissions (2):

Labcorp Genetics (formerly Invitae), Labcorp
Classification: Pathogenic for Cone-rod dystrophy 2; Leber congenital amaurosis 7. Last evaluated: 2023-08-07. Review status: criteria provided, single submitter. Criteria: Invitae Variant Classification Sherloc (09022015). Collection method: clinical testing. Allele origin: germline.
Comment: For these reasons, this variant has been classified as Pathogenic. This variant disrupts a region of the CRX protein in which other variant(s) (p.Tyr258*) have been determined to be pathogenic (PMID: 22968130, 25270190). This suggests that this is a clinically significant region of the protein, and that variants that disrupt it are likely to be disease-causing. ClinVar contains an entry for this variant (Variation ID: 866806). This variant has not been reported in the literature in individuals affected with CRX-related conditions. This variant is not present in population databases (gnomAD no frequency). This sequence change creates a premature translational stop signal (p.Pro144Leufs*42) in the CRX gene. While this is not anticipated to result in nonsense mediated decay, it is expected to disrupt the last 156 amino acid(s) of the CRX protein.

Blueprint Genetics
Classification: Likely pathogenic for CRX-related disorders. Last evaluated: 2018-08-21. Review status: criteria provided, single submitter. Criteria: ACMG Guidelines, 2015. Collection method: clinical testing. Allele origin: germline. Affected: yes. Observed: 1 variant allele.

Literature cited by the submitters: PubMed 22968130 (cited by Labcorp Genetics (formerly Invitae), Labcorp); PubMed 25270190 (cited by Labcorp Genetics (formerly Invitae), Labcorp).

NM_000554.6(CRX):c.431_434del (p.Pro144fs)

Gene: CRX (cone-rod homeobox; plus strand). Cytogenetic location: 19q13.33.
Variant type: Deletion.
Coding change: c.431_434del on transcript NM_000554.6 (MANE Select); coding-DNA positions 431 to 434, 4 bases deleted (CCCC; older notation c.431_434delCCCC).
Protein change: p.Pro144fs; shifts the reading frame from proline 144.
Molecular consequence: frameshift variant.
Genome position (GRCh38, 1-based): chr19:47,839,498-47,839,501, CCCC deleted; deleting any 4 consecutive bases within chr19:47,839,497-47,839,501 gives the same sequence; the c. name uses the placement nearest the transcript's 3' end. VCF-style (leftmost placement, unchanged base first): chr19-47839496-TCCCC-T. GRCh37 (hg19) VCF-style: chr19-48342753-TCCCC-T.
Other names: short protein forms P144fs.
Identifiers: ClinVar variation 866806 (VCV000866806.5), dbSNP rs1968165008, ClinGen allele CA916083700.
Genomic context (GRCh38, chr19:47,839,496, plus strand): 5'-GTCCCCAAGACCCTCCACAGATGTGTGTCCAGACCCTCTGGGCATCTCAGATTCCTACAG[TCCCC>T]CTCTGCCCGGCCCCTCAGGCTCCCCAACCACGGCAGTGGCCACTGTGTCCATCTGGAGCC-3'